The following is an entry in ClinVar:

NM_020706.2(SCAF4):c.2510G>C (p.Gly837Ala)

Gene: SCAF4 (SR-related CTD associated factor 4; minus strand). Cytogenetic location: 21q22.11.
Variant type: single nucleotide variant.
Coding change: c.2510G>C on transcript NM_020706.2 (MANE Select); coding-DNA position 2510, G replaced by C.
Protein change: p.Gly837Ala; replaces glycine 837 with alanine.
Molecular consequence: missense variant.
Genome position (GRCh38, 1-based): chr21:31,672,333, C>G on the plus strand (G>C on the coding strand, the complement: SCAF4 is on the minus strand). VCF-style: chr21-31672333-C-G. GRCh37 (hg19) VCF-style: chr21-33044646-C-G.
Other names: c.2465G>C, p.Gly822Ala (NM_001145444.1); c.2444G>C, p.Gly815Ala (NM_001145445.1); short protein forms G815A, G822A, G837A.
Identifiers: ClinVar variation 3573654 (VCV003573654.1).

ClinVar aggregate classification (germline): Uncertain significance (1 of 4 stars; one submission).

Submission:

GeneDx
Classification: Uncertain significance. Last evaluated: 2024-07-12. Review status: criteria provided, single submitter. Criteria: GeneDx Variant Classification Process June 2021. Collection method: clinical testing. Allele origin: germline. Affected: yes.
Comment: Not observed at significant frequency in large population cohorts (gnomAD); In silico analysis indicates that this missense variant does not alter protein structure/function; Has not been previously published as pathogenic or benign to our knowledge